The following is an entry in ClinVar:

ClinVar aggregate classification (germline): Likely benign. Review status: criteria provided, multiple submitters, no conflicts (2 of 4 stars). 4 submissions from 4 submitters: Likely benign (4). Last evaluated 2025-10-10.

Conditions:
Spastic paraplegia. Identifiers: MedGen C0037772, HP:0001258.

Allele frequency attached by ClinVar (database versions not stated): gnomAD 0.00005; TOPMed 0.00012; gnomAD exomes 0.00018.

Submissions (4):

Labcorp Genetics (formerly Invitae), Labcorp
Classification: Likely benign for Spastic paraplegia. Last evaluated: 2025-10-10. Review status: criteria provided, single submitter. Criteria: Invitae Variant Classification Sherloc (09022015). Collection method: clinical testing. Allele origin: germline.

Blueprint Genetics
Classification: Likely benign. Last evaluated: 2024-01-11. Review status: criteria provided, single submitter. Criteria: ACMG Guidelines, 2015. Collection method: clinical testing. Allele origin: germline.

CeGaT Center for Human Genetics Tuebingen
Classification: Likely benign. Last evaluated: 2023-05-01. Review status: criteria provided, single submitter. Criteria: CeGaT Center For Human Genetics Tuebingen Variant Classification Criteria Version 2. Collection method: clinical testing. Allele origin: germline. Affected: yes. Observed: 1 variant allele.
Comment: GJC2: BP4, BP7

GeneDx
Classification: Likely benign. Last evaluated: 2016-06-20. Review status: criteria provided, single submitter. Criteria: GeneDx Variant Classification (06012015). Collection method: clinical testing. Allele origin: germline. Affected: yes.
Comment: This variant is considered likely benign or benign based on one or more of the following criteria: it is a conservative change, it occurs at a poorly conserved position in the protein, it is predicted to be benign by multiple in silico algorithms, and/or has population frequency not consistent with disease.

NM_020435.4(GJC2):c.417C>A (p.Ala139=)

Gene: GJC2 (gap junction protein gamma 2; plus strand). Cytogenetic location: 1q42.13.
Variant type: single nucleotide variant.
Coding change: c.417C>A on transcript NM_020435.4 (MANE Select); coding-DNA position 417, C replaced by A.
Protein change: p.Ala139=; no amino-acid change (alanine 139 retained).
Molecular consequence: synonymous variant.
Genome position (GRCh38, 1-based): chr1:228,158,175, C>A. VCF-style: chr1-228158175-C-A. GRCh37 (hg19) VCF-style: chr1-228345876-C-A.
Identifiers: ClinVar variation 386885 (VCV000386885.31), dbSNP rs939165968, ClinGen allele CA16603566.